The following is an entry in ClinVar:

NM_000051.4(ATM):c.7257A>T (p.Arg2419Ser)

Genes: ATM (ATM serine/threonine kinase; plus strand), C11orf65 (chromosome 11 open reading frame 65; minus strand). Cytogenetic location: 11q22.3.
Variant type: single nucleotide variant.
Coding change: c.7257A>T on transcript NM_000051.4 (MANE Select); coding-DNA position 7257, A replaced by T.
Protein change: p.Arg2419Ser; replaces arginine 2419 with serine.
Molecular consequence: missense variant. On other transcripts: intron variant (2).
Genome position (GRCh38, 1-based): chr11:108,329,188, A>T. VCF-style: chr11-108329188-A-T. GRCh37 (hg19) VCF-style: chr11-108199915-A-T.
Other names: c.7257A>T, p.Arg2419Ser (NM_001351834.2); c.641-20117T>A (NM_001330368.2); c.*38+6032T>A (NM_001351110.2); short protein forms R2419S.
Identifiers: ClinVar variation 3452483 (VCV003452483.1).

ClinVar aggregate classification (germline): Uncertain significance (1 of 4 stars; one submission).

Conditions:
Hereditary cancer-predisposing syndrome. Also called: Tumor predisposition; Hereditary Cancer Syndrome; Neoplastic Syndromes, Hereditary; Hereditary neoplastic syndrome. Identifiers: Orphanet 140162, MedGen C0027672, MeSH D009386, MONDO:0015356.

Submission:

Ambry Genetics
Classification: Uncertain significance for Hereditary cancer-predisposing syndrome. Last evaluated: 2024-11-05. Review status: criteria provided, single submitter. Criteria: Ambry Variant Classification Scheme 2023. Collection method: clinical testing. Allele origin: germline.
Comment: The p.R2419S variant (also known as c.7257A>T), located in coding exon 48 of the ATM gene, results from an A to T substitution at nucleotide position 7257. The arginine at codon 2419 is replaced by serine, an amino acid with dissimilar properties. This amino acid position is conserved. In addition, the in silico prediction for this alteration is inconclusive. Based on the available evidence, the clinical significance of this variant remains unclear.